The following is an entry in ClinVar:

NM_001347721.2(DYRK1A):c.944G>A (p.Ser315Asn)

Gene: DYRK1A (dual specificity tyrosine phosphorylation regulated kinase 1A; plus strand). Cytogenetic location: 21q22.13.
Variant type: single nucleotide variant.
Coding change: c.944G>A on transcript NM_001347721.2 (MANE Select); coding-DNA position 944, G replaced by A.
Protein change: p.Ser315Asn; replaces serine 315 with asparagine.
Molecular consequence: missense variant.
Genome position (GRCh38, 1-based): chr21:37,493,036, G>A. VCF-style: chr21-37493036-G-A. GRCh37 (hg19) VCF-style: chr21-38865338-G-A.
Other names: c.944G>A, p.Ser315Asn (NM_001347722.2, NM_130436.2); c.857G>A, p.Ser286Asn (NM_001347723.2); c.971G>A, p.Ser324Asn (NM_001396.5, NM_101395.2, NM_130438.2); short protein forms S315N, S286N, S324N.
Identifiers: ClinVar variation 2751118 (VCV002751118.3), dbSNP rs2518037571, ClinGen allele CA409936407.
Genomic context (GRCh38, chr21:37,493,036, plus strand): 5'-TTTAAGCAATTGAAGTAATACTATTTTGAAATATATTTCAGATATACCAGTATATTCAGA[G>A]TCGCTTTTATCGGTCTCCAGAGGTGCTACTGGGAATGCCTTATGACCTTGCCATTGATAT-3'
Protein context (NP_001334650.1, residues 305-325): LGQRIYQYIQ[Ser315Asn]RFYRSPEVLL

ClinVar aggregate classification (germline): Uncertain significance (1 of 4 stars; one submission).

Conditions:
DYRK1A-related intellectual disability syndrome (MRD7). Also called: Intellectual developmental disorder, autosomal dominant 7; DYRK1A Syndrome. Identifiers: Orphanet 464306, MedGen C5568143, MONDO:0013578, OMIM 614104.

Submission:

Labcorp Genetics (formerly Invitae), Labcorp
Classification: Uncertain significance for DYRK1A-related intellectual disability syndrome. Last evaluated: 2023-08-07. Review status: criteria provided, single submitter. Criteria: Invitae Variant Classification Sherloc (09022015). Collection method: clinical testing. Allele origin: germline.
Comment: This sequence change replaces serine, which is neutral and polar, with asparagine, which is neutral and polar, at codon 324 of the DYRK1A protein (p.Ser324Asn). This variant is not present in population databases (gnomAD no frequency). This missense change has been observed in individual(s) with clinical features of DYRK1A-related conditions (Invitae). Advanced modeling of protein sequence and biophysical properties (such as structural, functional, and spatial information, amino acid conservation, physicochemical variation, residue mobility, and thermodynamic stability) performed at Invitae indicates that this missense variant is expected to disrupt DYRK1A protein function. This variant disrupts the p.Ser324 amino acid residue in DYRK1A. Other variant(s) that disrupt this residue have been determined to be pathogenic (PMID: 34345024). This suggests that this residue is clinically significant, and that variants that disrupt this residue are likely to be disease-causing. In summary, the available evidence is currently insufficient to determine the role of this variant in disease. Therefore, it has been classified as a Variant of Uncertain Significance.

Literature cited by the submitters: PubMed 34345024.